The following is an entry in ClinVar:

NM_001127208.3(TET2):c.5482del (p.Gln1828fs)

Genes: TET2 (tet methylcytosine dioxygenase 2; plus strand), TET2-AS1 (TET2 antisense RNA 1; minus strand). Cytogenetic location: 4q24.
Variant type: Deletion.
Coding change: c.5482del on transcript NM_001127208.3 (MANE Select); coding-DNA position 5482, one base deleted (C; older notation c.5482delC).
Protein change: p.Gln1828fs; shifts the reading frame from glutamine 1828.
Molecular consequence: frameshift variant.
Genome position (GRCh38, 1-based): chr4:105,275,992, C deleted. VCF-style (leftmost placement, unchanged base first): chr4-105275991-GC-G. GRCh37 (hg19) VCF-style: chr4-106197148-GC-G.
Other names: short protein forms Q1828fs.
Identifiers: ClinVar variation 4720834 (VCV004720834.1).

ClinVar aggregate classification (germline): Uncertain significance (1 of 4 stars; one submission).

Submission:

Labcorp Genetics (formerly Invitae), Labcorp
Classification: Uncertain significance. Last evaluated: 2025-06-05. Review status: criteria provided, single submitter. Criteria: Invitae Variant Classification Sherloc (09022015). Collection method: clinical testing. Allele origin: germline.
Comment: This sequence change creates a premature translational stop signal (p.Gln1828Serfs*5) in the TET2 gene. While this is not anticipated to result in nonsense mediated decay, it is expected to disrupt the last 175 amino acid(s) of the TET2 protein. This variant is not present in population databases (gnomAD no frequency). This variant has not been reported in the literature in individuals affected with TET2-related conditions. Experimental studies and prediction algorithms are not available or were not evaluated, and the functional significance of this variant is currently unknown. In summary, the available evidence is currently insufficient to determine the role of this variant in disease. Therefore, it has been classified as a Variant of Uncertain Significance.